The following is an entry in ClinVar:

NM_005477.3(HCN4):c.*1989G>A

Gene: HCN4 (hyperpolarization activated cyclic nucleotide gated potassium channel 4; minus strand). Cytogenetic location: 15q24.1.
Variant type: single nucleotide variant.
Coding change: c.*1989G>A on transcript NM_005477.3 (MANE Select); 1989 bases downstream of the stop codon, G replaced by A.
Molecular consequence: 3 prime UTR variant.
Genome position (GRCh38, 1-based): chr15:73,320,492, C>T on the plus strand (G>A on the coding strand, the complement: HCN4 is on the minus strand). VCF-style: chr15-73320492-C-T. GRCh37 (hg19) VCF-style: chr15-73612833-C-T.
Identifiers: ClinVar variation 886590 (VCV000886590.5), dbSNP rs549377, ClinGen allele CA15858828.

ClinVar aggregate classification (germline): Benign. Review status: criteria provided, multiple submitters, no conflicts (2 of 4 stars). 2 submissions from 2 submitters: Benign (2). Last evaluated 2018-01-13.

Conditions:
Sick sinus syndrome 2, autosomal dominant (SSS2). Also called: ATRIAL FIBRILLATION WITH BRADYARRHYTHMIA; SINUS BRADYCARDIA SYNDROME, FAMILIAL, AUTOSOMAL DOMINANT; SINUS NODE DISEASE, FAMILIAL, AUTOSOMAL DOMINANT; SICK SINUS SYNDROME 2; SICK SINUS SYNDROME 2 WITH OR WITHOUT CARDIAC NONCOMPACTION AND/OR ASCENDING AORTA DILATION. Identifiers: Orphanet 166282, MedGen C1834144, MONDO:0008102, OMIM 163800.

Allele frequency attached by ClinVar (database versions not stated): 1000 Genomes Project 30x 0.76046; 1000 Genomes Project 0.76218; TOPMed 0.79459; gnomAD 0.80150 and 0.80574; gnomAD exomes 0.87500.
gnomAD v4.1: 122,787 of 152,198 alleles (81%); highest among the groups gnomAD compares: Non-Finnish European, 93%; 52,022 homozygotes.

Submissions (2):

Illumina Laboratory Services, Illumina
Classification: Benign for Sick sinus syndrome 2, autosomal dominant. Last evaluated: 2018-01-13. Review status: criteria provided, single submitter. Criteria: ICSL Variant Classification Criteria 13 December 2019. Collection method: clinical testing. Allele origin: germline.
Comment: This variant was observed in the ICSL laboratory as part of a predisposition screen in an ostensibly healthy population. It had not been previously curated by ICSL or reported in the Human Gene Mutation Database (HGMD: prior to June 1st, 2018), and was therefore a candidate for classification through an automated scoring system. Utilizing variant allele frequency, disease prevalence and penetrance estimates, and inheritance mode, an automated score was calculated to assess if this variant is too frequent to cause the disease. Based on the score and internal cut-off values, a variant classified as benign is not then subjected to further curation. The score for this variant resulted in a classification of benign for this disease.

Breakthrough Genomics
Classification: Benign. Review status: criteria provided, single submitter. Criteria: ACMG Guidelines, 2015. Collection method: not provided. Allele origin: germline. Inheritance: Autosomal dominant inheritance. Affected: yes.